The following is an entry in ClinVar:

NM_006237.4(POU4F1):c.516G>C (p.Gly172=)

Genes: OBI1-AS1 (OBI1 antisense RNA 1; plus strand), POU4F1 (POU class 4 homeobox 1; minus strand). Cytogenetic location: 13q31.1.
Variant type: single nucleotide variant.
Coding change: c.516G>C on transcript NM_006237.4 (MANE Select); coding-DNA position 516, G replaced by C.
Protein change: p.Gly172=; no amino-acid change (glycine 172 retained).
Molecular consequence: synonymous variant.
Genome position (GRCh38, 1-based): chr13:78,602,159, C>G on the plus strand (G>C on the coding strand, the complement: POU4F1 is on the minus strand). VCF-style: chr13-78602159-C-G. GRCh37 (hg19) VCF-style: chr13-79176294-C-G.
Identifiers: ClinVar variation 3026144 (VCV003026144.22), dbSNP rs1324925920, ClinGen allele CA484489295.

ClinVar aggregate classification (germline): Likely benign (1 of 4 stars; one submission).

Submission:

CeGaT Center for Human Genetics Tuebingen
Classification: Likely benign. Last evaluated: 2024-02-01. Review status: criteria provided, single submitter. Criteria: CeGaT Center For Human Genetics Tuebingen Variant Classification Criteria Version 2. Collection method: clinical testing. Allele origin: germline. Affected: yes. Observed: 1 variant allele.
Comment: POU4F1: PM2:Supporting, BP4, BP7